The following is an entry in ClinVar:

NM_001163435.3(TBCK):c.1705T>C (p.Cys569Arg)

Gene: TBCK (TBC1 domain containing kinase; minus strand). Cytogenetic location: 4q24.
Variant type: single nucleotide variant.
Coding change: c.1705T>C on transcript NM_001163435.3 (MANE Select); coding-DNA position 1705, T replaced by C.
Protein change: p.Cys569Arg; replaces cysteine 569 with arginine.
Molecular consequence: missense variant.
Genome position (GRCh38, 1-based): chr4:106,230,432, A>G on the plus strand (T>C on the coding strand, the complement: TBCK is on the minus strand). VCF-style: chr4-106230432-A-G. GRCh37 (hg19) VCF-style: chr4-107151589-A-G.
Other names: c.1705T>C, p.Cys569Arg (NM_001163436.4); c.1588T>C, p.Cys530Arg (NM_001163437.3); c.1189T>C, p.Cys397Arg (NM_001290768.2); c.1516T>C, p.Cys506Arg (NM_033115.5); short protein forms C569R, C397R, C530R, C506R.
Identifiers: ClinVar variation 809651 (VCV000809651.43), dbSNP rs771839389, ClinGen allele CA357821972.

ClinVar aggregate classification (germline): Uncertain significance. Review status: criteria provided, multiple submitters, no conflicts (2 of 4 stars). 2 submissions from 2 submitters: Uncertain significance (2). Last evaluated 2025-08-18.

gnomAD v4.1: 1 of 1,602,250 alleles (0.000062%); highest among the groups gnomAD compares: Non-Finnish European, 0.000085%; no homozygotes.

Submissions (2):

Labcorp Genetics (formerly Invitae), Labcorp
Classification: Uncertain significance. Last evaluated: 2025-08-18. Review status: criteria provided, single submitter. Criteria: Invitae Variant Classification Sherloc (09022015). Collection method: clinical testing. Allele origin: germline.
Comment: This sequence change replaces cysteine, which is neutral and slightly polar, with arginine, which is basic and polar, at codon 569 of the TBCK protein (p.Cys569Arg). This variant is not present in population databases (gnomAD no frequency). This variant has not been reported in the literature in individuals affected with TBCK-related conditions. ClinVar contains an entry for this variant (Variation ID: 809651). Invitae Evidence Modeling of protein sequence and biophysical properties (such as structural, functional, and spatial information, amino acid conservation, physicochemical variation, residue mobility, and thermodynamic stability) indicates that this missense variant is expected to disrupt TBCK protein function with a positive predictive value of 80%. In summary, the available evidence is currently insufficient to determine the role of this variant in disease. Therefore, it has been classified as a Variant of Uncertain Significance.

CeGaT Center for Human Genetics Tuebingen
Classification: Uncertain significance. Last evaluated: 2017-06-01. Review status: criteria provided, single submitter. Criteria: CeGaT Center For Human Genetics Tuebingen Variant Classification Criteria Version 2. Collection method: clinical testing. Allele origin: germline. Affected: yes. Observed: 1 variant allele.